The following is an entry in ClinVar:

ClinVar aggregate classification (germline): Uncertain significance (1 of 4 stars; one submission).

Conditions:
Charcot-Marie-Tooth disease type 2. Also called: Charcot-Marie-Tooth type 2. Identifiers: Orphanet 64746, MedGen C0270914, MONDO:0018993.

Allele frequency attached by ClinVar (database versions not stated): gnomAD exomes 0.00001; TOPMed 0.00002; gnomAD 0.00001.
gnomAD v4.1: 7 of 1,614,058 alleles (0.00043%); highest among the groups gnomAD compares: African/African-American, 0.0013%; no homozygotes.

Submission:

Labcorp Genetics (formerly Invitae), Labcorp
Classification: Uncertain significance for Charcot-Marie-Tooth disease type 2. Last evaluated: 2023-08-30. Review status: criteria provided, single submitter. Criteria: Invitae Variant Classification Sherloc (09022015). Collection method: clinical testing. Allele origin: germline.
Comment: This variant has not been reported in the literature in individuals affected with MFN2-related conditions. In summary, the available evidence is currently insufficient to determine the role of this variant in disease. Therefore, it has been classified as a Variant of Uncertain Significance. Advanced modeling of protein sequence and biophysical properties (such as structural, functional, and spatial information, amino acid conservation, physicochemical variation, residue mobility, and thermodynamic stability) has been performed at Invitae for this missense variant, however the output from this modeling did not meet the statistical confidence thresholds required to predict the impact of this variant on MFN2 protein function. This variant is not present in population databases (gnomAD no frequency). This sequence change replaces tyrosine, which is neutral and polar, with histidine, which is basic and polar, at codon 415 of the MFN2 protein (p.Tyr415His).

NM_014874.4(MFN2):c.1243T>C (p.Tyr415His)

Gene: MFN2 (mitofusin 2; plus strand). Cytogenetic location: 1p36.22.
Variant type: single nucleotide variant.
Coding change: c.1243T>C on transcript NM_014874.4 (MANE Select); coding-DNA position 1243, T replaced by C.
Protein change: p.Tyr415His; replaces tyrosine 415 with histidine.
Molecular consequence: missense variant.
Genome position (GRCh38, 1-based): chr1:12,004,074, T>C. VCF-style: chr1-12004074-T-C. GRCh37 (hg19) VCF-style: chr1-12064131-T-C.
Other names: c.1243T>C, p.Tyr415His (NM_001127660.2); short protein forms Y415H.
Identifiers: ClinVar variation 2905045 (VCV002905045.3), dbSNP rs1163530430, ClinGen allele CA338445232.